The following is an entry in ClinVar:

NM_015231.3(NUP160):c.3404C>T (p.Ala1135Val)

Gene: NUP160 (nucleoporin 160; minus strand). Cytogenetic location: 11p11.2.
Variant type: single nucleotide variant.
Coding change: c.3404C>T on transcript NM_015231.3 (MANE Select); coding-DNA position 3404, C replaced by T.
Protein change: p.Ala1135Val; replaces alanine 1135 with valine.
Molecular consequence: missense variant. On other transcripts: non-coding transcript variant (1).
Genome position (GRCh38, 1-based): chr11:47,791,935, G>A on the plus strand (C>T on the coding strand, the complement: NUP160 is on the minus strand). VCF-style: chr11-47791935-G-A. GRCh37 (hg19) VCF-style: chr11-47813487-G-A.
Other names: short protein forms A1135V.
Identifiers: ClinVar variation 1905008 (VCV001905008.5), dbSNP rs756729056, ClinGen allele CA5980680.
Genomic context (GRCh38, chr11:47,791,935, plus strand): 5'-CAATAACAACATTACTACTGTCTAGCAAAGAACCAGTGTGAGACTCCTGACTCACTGGGG[G>A]CAGCTGTGCATTCTCCATCATGATTCCTCTTAGGGGATGCTCCAGGGCGATCATACTGAT-3'
Protein context (NP_056046.2, residues 1125-1145): KRNHDGECTA[Ala1135Val]PTNRQIEILE

ClinVar aggregate classification (germline): Uncertain significance (1 of 4 stars; one submission).

Allele frequency attached by ClinVar (database versions not stated): gnomAD exomes 0.00001; ExAC 0.00002; gnomAD 0.00005; TOPMed 0.00005.
gnomAD v4.1: 15 of 1,609,896 alleles (0.00093%); highest among the groups gnomAD compares: African/African-American, 0.02%; no homozygotes.

Submission:

Labcorp Genetics (formerly Invitae), Labcorp
Classification: Uncertain significance. Last evaluated: 2024-06-03. Review status: criteria provided, single submitter. Criteria: Invitae Variant Classification Sherloc (09022015). Collection method: clinical testing. Allele origin: germline.
Comment: This sequence change replaces alanine, which is neutral and non-polar, with valine, which is neutral and non-polar, at codon 1169 of the NUP160 protein (p.Ala1169Val). This variant is present in population databases (rs756729056, gnomAD 0.02%). This variant has not been reported in the literature in individuals affected with NUP160-related conditions. ClinVar contains an entry for this variant (Variation ID: 1905008). Algorithms developed to predict the effect of missense changes on protein structure and function output the following: SIFT: "Not Available"; PolyPhen-2: "Benign"; Align-GVGD: "Not Available". The valine amino acid residue is found in multiple mammalian species, which suggests that this missense change does not adversely affect protein function. In summary, the available evidence is currently insufficient to determine the role of this variant in disease. Therefore, it has been classified as a Variant of Uncertain Significance.